The following is an entry in ClinVar:

ClinVar aggregate classification (germline): Conflicting classifications of pathogenicity. Review status: criteria provided, conflicting classifications (1 of 4 stars). 3 submissions from 3 submitters: Uncertain significance (1); Likely benign (1). 1 of the submissions does not count toward it. Last evaluated 2024-10-01.

Conditions:
WEE2-related disorder. Also called: WEE2-related condition.

Allele frequency attached by ClinVar (database versions not stated): 1000 Genomes Project 0.00180; 1000 Genomes Project 30x 0.00187; TOPMed 0.00352; gnomAD 0.00376 and 0.00377; ESP Exome Variant Server 0.00469.

Submissions (3):

CeGaT Center for Human Genetics Tuebingen
Classification: Likely benign. Last evaluated: 2024-10-01. Review status: criteria provided, single submitter. Criteria: CeGaT Center For Human Genetics Tuebingen Variant Classification Criteria Version 2. Collection method: clinical testing. Allele origin: germline. Affected: yes. Observed: 4 variant alleles.
Comment: WEE2: BP4, BP7, BS2

Breakthrough Genomics
Classification: Uncertain significance. Review status: criteria provided, single submitter. Criteria: ACMG Guidelines, 2015. Collection method: not provided. Allele origin: germline. Inheritance: Autosomal recessive inheritance. Affected: yes.

PreventionGenetics, part of Exact Sciences
Classification: Likely benign for WEE2-related condition. Last evaluated: 2020-01-14. Review status: no assertion criteria provided. Collection method: clinical testing. Allele origin: germline. Not counted in ClinVar's aggregate classification.
Comment: This variant is classified as likely benign based on ACMG/AMP sequence variant interpretation guidelines (Richards et al. 2015 PMID: 25741868, with internal and published modifications).

NM_001105558.1(WEE2):c.1350C>T (p.Asp450=)

Genes: WEE2 (WEE2 oocyte meiosis inhibiting kinase; plus strand), WEE2-AS1 (WEE2 antisense RNA 1; minus strand). Cytogenetic location: 7q34.
Variant type: single nucleotide variant.
Coding change: c.1350C>T on transcript NM_001105558.1 (MANE Select); coding-DNA position 1350, C replaced by T.
Protein change: p.Asp450=; no amino-acid change (aspartic acid 450 retained).
Molecular consequence: synonymous variant.
Genome position (GRCh38, 1-based): chr7:141,725,154, C>T. VCF-style: chr7-141725154-C-T. GRCh37 (hg19) VCF-style: chr7-141424954-C-T.
Identifiers: ClinVar variation 1013566 (VCV001013566.40), dbSNP rs45535636, ClinGen allele CA4518484.
Genomic context (GRCh38, chr7:141,725,154, plus strand): 5'-AGAGTCATTGCCCACCAATGGTGCTGCATGGCACCATATCCGCAAGGGTAACTTTCCGGA[C>T]GTTCCTCAGGAGCTCTCAGAAAGCTTTTCCAGTCTGCTCAAGGTGATAGCTCTTACGAGA-3'
Protein context (NP_001099028.1, residues 440-460): WHHIRKGNFP[Asp450=]VPQELSESFS